The following is an entry in ClinVar:

NM_144670.6(A2ML1):c.3161T>C (p.Ile1054Thr)

Gene: A2ML1 (alpha-2-macroglobulin like 1; plus strand). Cytogenetic location: 12p13.31.
Variant type: single nucleotide variant.
Coding change: c.3161T>C on transcript NM_144670.6 (MANE Select); coding-DNA position 3161, T replaced by C.
Protein change: p.Ile1054Thr; replaces isoleucine 1054 with threonine.
Molecular consequence: missense variant.
Genome position (GRCh38, 1-based): chr12:8,857,999, T>C. VCF-style: chr12-8857999-T-C. GRCh37 (hg19) VCF-style: chr12-9010595-T-C.
Other names: c.3161T>C (NM_144670.3); c.1688T>C, p.Ile563Thr (NM_001282424.3); short protein forms I1054T, I563T.
Identifiers: ClinVar variation 406205 (VCV000406205.13), dbSNP rs371117844, ClinGen allele CA6436284.

ClinVar aggregate classification (germline): Uncertain significance. Review status: criteria provided, multiple submitters, no conflicts (2 of 4 stars). 2 submissions from 2 submitters: Uncertain significance (2). Last evaluated 2025-11-13.

Allele frequency attached by ClinVar (database versions not stated): gnomAD 0.00001 and 0.00003; gnomAD exomes 0.00002 and 0.00003; ExAC 0.00004; TOPMed 0.00006; ESP Exome Variant Server 0.00025.
gnomAD v4.1: 48 of 1,614,044 alleles (0.003%); highest among the groups gnomAD compares: African/African-American, 0.0053%; no homozygotes.

Submissions (2):

Ambry Genetics
Classification: Uncertain significance. Last evaluated: 2025-11-13. Review status: criteria provided, single submitter. Criteria: Ambry Variant Classification Scheme 2023. Collection method: clinical testing. Allele origin: germline.

Labcorp Genetics (formerly Invitae), Labcorp
Classification: Uncertain significance. Last evaluated: 2024-01-31. Review status: criteria provided, single submitter. Criteria: Invitae Variant Classification Sherloc (09022015). Collection method: clinical testing. Allele origin: germline.
Comment: This sequence change replaces isoleucine, which is neutral and non-polar, with threonine, which is neutral and polar, at codon 1054 of the A2ML1 protein (p.Ile1054Thr). This variant is present in population databases (rs371117844, gnomAD 0.006%). This variant has not been reported in the literature in individuals affected with A2ML1-related conditions. ClinVar contains an entry for this variant (Variation ID: 406205). An algorithm developed to predict the effect of missense changes on protein structure and function (PolyPhen-2) suggests that this variant is likely to be disruptive. In summary, the available evidence is currently insufficient to determine the role of this variant in disease. Therefore, it has been classified as a Variant of Uncertain Significance.